The following is an entry in ClinVar:

NM_000391.4(TPP1):c.1551T>G (p.Asp517Glu)

Gene: TPP1 (tripeptidyl peptidase 1; minus strand). Cytogenetic location: 11p15.4.
Variant type: single nucleotide variant.
Coding change: c.1551T>G on transcript NM_000391.4 (MANE Select); coding-DNA position 1551, T replaced by G.
Protein change: p.Asp517Glu; replaces aspartic acid 517 with glutamic acid.
Molecular consequence: missense variant.
Genome position (GRCh38, 1-based): chr11:6,614,866, A>C on the plus strand (T>G on the coding strand, the complement: TPP1 is on the minus strand). VCF-style: chr11-6614866-A-C. GRCh37 (hg19) VCF-style: chr11-6636097-A-C.
Other names: short protein forms D517E.
Identifiers: ClinVar variation 1362500 (VCV001362500.6), dbSNP rs2134590787, ClinGen allele CA379472239.

ClinVar aggregate classification (germline): Uncertain significance (1 of 4 stars; one submission).

Submission:

Labcorp Genetics (formerly Invitae), Labcorp
Classification: Uncertain significance. Last evaluated: 2021-10-28. Review status: criteria provided, single submitter. Criteria: Invitae Variant Classification Sherloc (09022015). Collection method: clinical testing. Allele origin: germline.
Comment: This sequence change replaces aspartic acid, which is acidic and polar, with glutamic acid, which is acidic and polar, at codon 517 of the TPP1 protein (p.Asp517Glu). This variant is not present in population databases (gnomAD no frequency). This variant has not been reported in the literature in individuals affected with TPP1-related conditions. Algorithms developed to predict the effect of missense changes on protein structure and function are either unavailable or do not agree on the potential impact of this missense change (SIFT: "Deleterious"; PolyPhen-2: "Probably Damaging"; Align-GVGD: "Class C0"). Algorithms developed to predict the effect of sequence changes on RNA splicing suggest that this variant may create or strengthen a splice site. In summary, the available evidence is currently insufficient to determine the role of this variant in disease. Therefore, it has been classified as a Variant of Uncertain Significance.